The following is an entry in ClinVar:

ClinVar aggregate classification (germline): Conflicting classifications of pathogenicity. Review status: criteria provided, conflicting classifications (1 of 4 stars). 4 submissions from 4 submitters: Uncertain significance (1); Benign (1); Likely benign (2). Last evaluated 2025-12-29.

Conditions:
Hereditary cancer-predisposing syndrome. Also called: Neoplastic Syndromes, Hereditary; Hereditary Cancer Syndrome; Tumor predisposition; Hereditary neoplastic syndrome. Identifiers: Orphanet 140162, MedGen C0027672, MeSH D009386, MONDO:0015356.
Tuberous sclerosis 1 (TSC1). Identifiers: Orphanet 805, MedGen C1854465, MONDO:0008612, OMIM 191100.

Allele frequency attached by ClinVar (database versions not stated): gnomAD exomes below 0.00001.
gnomAD v4.1: 1 of 1,614,180 alleles (0.000062%); highest among the groups gnomAD compares: South Asian, 0.0011%; no homozygotes.

Submissions (4):

Labcorp Genetics (formerly Invitae), Labcorp
Classification: Likely benign for Tuberous sclerosis 1. Last evaluated: 2025-12-29. Review status: criteria provided, single submitter. Criteria: Invitae Variant Classification Sherloc (09022015). Collection method: clinical testing. Allele origin: germline.

Myriad Genetics, Inc.
Classification: Benign for Tuberous sclerosis 1. Last evaluated: 2025-04-10. Review status: criteria provided, single submitter. Criteria: Myriad Autosomal Dominant, Autosomal Recessive and X-Linked Classification Criteria (2023). Collection method: clinical testing. Allele origin: unknown.
Comment: This variant is considered benign. This variant is a silent/synonymous amino acid change and it is not expected to impact splicing.

Ambry Genetics
Classification: Likely benign for Hereditary cancer-predisposing syndrome. Last evaluated: 2025-03-12. Review status: criteria provided, single submitter. Criteria: Ambry Variant Classification Scheme 2023. Collection method: clinical testing. Allele origin: germline.

Sema4
Classification: Uncertain significance for Hereditary cancer-predisposing syndrome. Last evaluated: 2022-02-22. Review status: criteria provided, single submitter. Criteria: Sema4 Curation Guidelines. Collection method: curation. Allele origin: germline.
Comment: The TSC1 c.1830G>A (p.V610=) variant has not been reported in the literature to our knowledge. This variant is not reported in the population database Genome Aggregation Database (PMID: 32461654). This variant has not been reported in ClinVar. In silico tools suggest that this variant may strengthen a cryptic splice site, though these predictions have not been confirmed by functional studies. The evidence is insufficient to meet ACMG/AMP criteria for classifying the variant as benign or pathogenic. Thus, the clinical significance of this variant is currently uncertain.

NM_000368.5(TSC1):c.1830G>A (p.Val610=)

Gene: TSC1 (TSC complex subunit 1; minus strand). Cytogenetic location: 9q34.13.
Variant type: single nucleotide variant.
Coding change: c.1830G>A on transcript NM_000368.5 (MANE Select); coding-DNA position 1830, G replaced by A.
Protein change: p.Val610=; no amino-acid change (valine 610 retained).
Molecular consequence: synonymous variant. On other transcripts: non-coding transcript variant (5).
Genome position (GRCh38, 1-based): chr9:132,905,748, C>T on the plus strand (G>A on the coding strand, the complement: TSC1 is on the minus strand). VCF-style: chr9-132905748-C-T. GRCh37 (hg19) VCF-style: chr9-135781135-C-T.
Other names: c.1827G>A, p.Val609= (NM_001162426.2, NM_001406597.1, NM_001406598.1 and 6 more transcripts); c.1677G>A, p.Val559= (NM_001162427.2, NM_001406610.1); c.1467G>A, p.Val489= (NM_001362177.2, NM_001406614.1, NM_001406615.1 and 5 more transcripts); c.1830G>A, p.Val610= (NM_001406592.1, NM_001406593.1, NM_001406594.1 and 7 more transcripts); c.1674G>A, p.Val558= (NM_001406611.1, NM_001406612.1, NM_001406613.1); c.1464G>A, p.Val488= (NM_001406620.1, NM_001406621.1, NM_001406622.1 and 2 more transcripts); c.879G>A, p.Val293= (NM_001406626.1); c.876G>A, p.Val292= (NM_001406627.1, NM_001406628.1); and 1 more.
Identifiers: ClinVar variation 1692393 (VCV001692393.6), dbSNP rs2131820356, ClinGen allele CA467813155.